The following is an entry in ClinVar:

ClinVar aggregate classification (germline): Pathogenic/Likely pathogenic. Review status: criteria provided, multiple submitters, no conflicts (2 of 4 stars). 2 submissions from 2 submitters: Pathogenic (1); Likely pathogenic (1). Last evaluated 2025-08-15.

Conditions:
Fanconi anemia (FA). Also called: Fanconi's anemia. Identifiers: Orphanet 84, MedGen C0015625, MeSH D005199, MONDO:0019391.

Submissions (2):

Labcorp Genetics (formerly Invitae), Labcorp
Classification: Likely pathogenic for Fanconi anemia. Last evaluated: 2025-08-15. Review status: criteria provided, single submitter. Criteria: Invitae Variant Classification Sherloc (09022015). Collection method: clinical testing. Allele origin: germline.
Comment: This sequence change affects an acceptor splice site in intron 8 of the FANCA gene. It is expected to disrupt RNA splicing. Variants that disrupt the donor or acceptor splice site typically lead to a loss of protein function (PMID: 16199547), and loss-of-function variants in FANCA are known to be pathogenic (PMID: 19367192). This variant is not present in population databases (gnomAD no frequency). Disruption of this splice site has been observed in individual(s) with Fanconi anemia (PMID: 24584348; internal data). ClinVar contains an entry for this variant (Variation ID: 596588). Algorithms developed to predict the effect of sequence changes on RNA splicing suggest that this variant may disrupt the consensus splice site. In summary, the currently available evidence indicates that the variant is pathogenic, but additional data are needed to prove that conclusively. Therefore, this variant has been classified as Likely Pathogenic.

Eurofins Ntd Llc (ga)
Classification: Pathogenic. Last evaluated: 2018-03-23. Review status: criteria provided, single submitter. Criteria: EGL ClinVar v180209 classification definitions. Collection method: clinical testing. Allele origin: germline. Observed: 1 variant allele, 1 heterozygote.

Literature cited by the submitters: PubMed 16199547 (cited by Labcorp Genetics (formerly Invitae), Labcorp); PubMed 19367192 (cited by Labcorp Genetics (formerly Invitae), Labcorp); PubMed 24584348 (cited by Labcorp Genetics (formerly Invitae), Labcorp).

NM_000135.4(FANCA):c.793-1G>A

Gene: FANCA (FA complementation group A; minus strand). Cytogenetic location: 16q24.3.
Variant type: single nucleotide variant.
Coding change: c.793-1G>A on transcript NM_000135.4 (MANE Select); the canonical splice acceptor site of the intron before coding-DNA position 793, G replaced by A.
Molecular consequence: splice acceptor variant.
Genome position (GRCh38, 1-based): chr16:89,799,639, C>T on the plus strand (G>A on the coding strand, the complement: FANCA is on the minus strand). VCF-style: chr16-89799639-C-T. GRCh37 (hg19) VCF-style: chr16-89866047-C-T.
Other names: c.793-1G>A (NM_001286167.3, NM_001018112.3); c.697-1G>A (NM_001351830.2).
Identifiers: ClinVar variation 596588 (VCV000596588.6), dbSNP rs1567642367, ClinGen allele CA397473717.
Genomic context (GRCh38, chr16:89,799,639, plus strand): 5'-TCTGGGCTGCAGTGCAATTAACTTACAAATCAGCATTCTCTGCAGTACATCAACCGTGAC[C>T]TGTCAAAATAGAATGTGAGTTACCATCTTGGTAATCTTCTGTAATTTGTGTGATACCTGC-3'